The following is an entry in ClinVar:

ClinVar aggregate classification (germline): Likely benign. Review status: criteria provided, single submitter (1 of 4 stars). 2 submissions from 2 submitters: Likely benign (1). 1 of the submissions does not count toward it. Last evaluated 2025-07-20.

Conditions:
RECQL4-related disorder. Also called: RECQL4-related condition; RECQL4-related disorders.
Baller-Gerold syndrome (BGS). Also called: CRANIOSYNOSTOSIS WITH RADIAL DEFECTS. Identifiers: Orphanet 1225, MedGen C0265308, MONDO:0009039, OMIM 218600.

Allele frequency attached by ClinVar (database versions not stated): gnomAD exomes below 0.00001; TOPMed below 0.00001; gnomAD 0.00001; ExAC 0.00002; ESP Exome Variant Server 0.00008.
gnomAD v4.1: 7 of 1,611,996 alleles (0.00043%); highest among the groups gnomAD compares: South Asian, 0.0044%; no homozygotes.

Submissions (2):

Labcorp Genetics (formerly Invitae), Labcorp
Classification: Likely benign for Baller-Gerold syndrome. Last evaluated: 2025-07-20. Review status: criteria provided, single submitter. Criteria: Invitae Variant Classification Sherloc (09022015). Collection method: clinical testing. Allele origin: germline.

PreventionGenetics, part of Exact Sciences
Classification: Likely benign for RECQL4-related condition. Last evaluated: 2022-10-11. Review status: no assertion criteria provided. Collection method: clinical testing. Allele origin: germline. Not counted in ClinVar's aggregate classification.
Comment: This variant is classified as likely benign based on ACMG/AMP sequence variant interpretation guidelines (Richards et al. 2015 PMID: 25741868, with internal and published modifications).

NM_004260.4(RECQL4):c.2811G>A (p.Leu937=)

Gene: RECQL4 (RecQ like helicase 4; minus strand). Cytogenetic location: 8q24.3.
Variant type: single nucleotide variant.
Coding change: c.2811G>A on transcript NM_004260.4 (MANE Select); coding-DNA position 2811, G replaced by A.
Protein change: p.Leu937=; no amino-acid change (leucine 937 retained).
Molecular consequence: synonymous variant.
Genome position (GRCh38, 1-based): chr8:144,512,716, C>T on the plus strand (G>A on the coding strand, the complement: RECQL4 is on the minus strand). VCF-style: chr8-144512716-C-T. GRCh37 (hg19) VCF-style: chr8-145738099-C-T.
Other names: c.2811G>A (NM_004260.3).
Identifiers: ClinVar variation 1635443 (VCV001635443.10), dbSNP rs368178215, ClinGen allele CA4948068.